The following is an entry in ClinVar:

NM_004006.3(DMD):c.2017C>T (p.Gln673Ter)

Gene: DMD (dystrophin; minus strand). Cytogenetic location: Xp21.1.
Variant type: single nucleotide variant.
Coding change: c.2017C>T on transcript NM_004006.3 (MANE Select); coding-DNA position 2017, C replaced by T.
Protein change: p.Gln673Ter; replaces glutamine 673 with a stop codon.
Molecular consequence: nonsense.
Genome position (GRCh38, 1-based): chrX:32,545,310, G>A on the plus strand (C>T on the coding strand, the complement: DMD is on the minus strand). VCF-style: chrX-32545310-G-A. GRCh37 (hg19) VCF-style: chrX-32563427-G-A.
Other names: c.1993C>T, p.Gln665Ter (NM_000109.4); c.2005C>T, p.Gln669Ter (NM_004009.3); c.1648C>T, p.Gln550Ter (NM_004010.3); short protein forms Q673*, Q550*, Q669*, Q665*.
Identifiers: ClinVar variation 11233 (VCV000011233.13), dbSNP rs128626232, ClinGen allele CA341037.
Genomic context (GRCh38, chrX:32,545,310, plus strand): 5'-GTTCCCTTGTGGTCACCGTAGTTACTGTTTCCATTACAGTTGTCTGTGTTAGTGATGGCT[G>A]AGTGGTGGTGACAGCCTGTGAAATCTGTGAGAAGTATTGAAACAGAGGTCAGACATTGCT-3'

ClinVar aggregate classification (germline): Pathogenic. Review status: criteria provided, multiple submitters, no conflicts (2 of 4 stars). 3 submissions from 3 submitters: Pathogenic (2). 1 of the submissions does not count toward it. Last evaluated 2020-01-30.

Conditions:
Duchenne muscular dystrophy (DMD). Also called: MUSCULAR DYSTROPHY, PSEUDOHYPERTROPHIC PROGRESSIVE, DUCHENNE TYPE; Duchenne Muscular Dystrophy (DMD). Identifiers: Orphanet 98896, MedGen C0013264, MONDO:0010679, OMIM 310200.

Submissions (3):

Labcorp Genetics (formerly Invitae), Labcorp
Classification: Pathogenic for Duchenne muscular dystrophy. Last evaluated: 2020-01-30. Review status: criteria provided, single submitter. Criteria: Invitae Variant Classification Sherloc (09022015). Collection method: clinical testing. Allele origin: germline.
Comment: For these reasons, this variant has been classified as Pathogenic. Loss-of-function variants in DMD are known to be pathogenic (PMID: 16770791, 25007885). This variant has been observed in individual(s) with Duchenne muscular dystrophy (PMID: 7649554). ClinVar contains an entry for this variant (Variation ID: 11233). This variant is not present in population databases (ExAC no frequency). This sequence change creates a premature translational stop signal (p.Gln673*) in the DMD gene. It is expected to result in an absent or disrupted protein product.

Mendelics
Classification: Pathogenic for Duchenne muscular dystrophy. Last evaluated: 2019-05-28. Review status: criteria provided, single submitter. Criteria: Mendelics Assertion Criteria 2017. Collection method: clinical testing. Allele origin: unknown.

OMIM
Classification: Pathogenic for DUCHENNE MUSCULAR DYSTROPHY. Last evaluated: 1995-09-01. Review status: no assertion criteria provided. Collection method: literature only. Allele origin: germline. Not counted in ClinVar's aggregate classification.

Literature cited by the submitters: PubMed 16770791 (cited by Labcorp Genetics (formerly Invitae), Labcorp); PubMed 25007885 (cited by Labcorp Genetics (formerly Invitae), Labcorp); PubMed 7649554 (cited by Labcorp Genetics (formerly Invitae), Labcorp and OMIM); PubMed 7881286 (cited by OMIM); PubMed 7825571 (cited by OMIM).